The following is an entry in ClinVar:

ClinVar aggregate classification (germline): Uncertain significance. Review status: criteria provided, multiple submitters, no conflicts (2 of 4 stars). 2 submissions from 2 submitters: Uncertain significance (2). Last evaluated 2025-12-23.

Conditions:
MYPN-related disorder. Also called: MYPN-related condition.
Cardiovascular phenotype. Identifiers: MedGen CN230736.

Allele frequency attached by ClinVar (database versions not stated): TOPMed below 0.00001; gnomAD 0.00001.
gnomAD v4.1: 10 of 1,614,004 alleles (0.00062%); highest among the groups gnomAD compares: East Asian, 0.0045%; no homozygotes.

Submissions (2):

PreventionGenetics, part of Exact Sciences
Classification: Uncertain significance for MYPN-related condition. Last evaluated: 2025-12-23. Review status: criteria provided, single submitter. Criteria: ACMG Guidelines, 2015. Collection method: clinical testing. Allele origin: germline.
Comment: The MYPN c.3581G>A variant is predicted to result in the amino acid substitution p.Arg1194His. To our knowledge, this variant has not been reported in the literature. This variant is reported in 0.00088% of alleles in individuals of European (Non-Finnish) descent in gnomAD. At this time, the clinical significance of this variant is uncertain due to the absence of conclusive functional and genetic evidence.

Ambry Genetics
Classification: Uncertain significance for Cardiovascular phenotype. Last evaluated: 2025-04-11. Review status: criteria provided, single submitter. Criteria: Ambry Variant Classification Scheme 2023. Collection method: clinical testing. Allele origin: germline.
Comment: The p.R1194H variant (also known as c.3581G>A), located in coding exon 17 of the MYPN gene, results from a G to A substitution at nucleotide position 3581. The arginine at codon 1194 is replaced by histidine, an amino acid with highly similar properties. This amino acid position is highly conserved in available vertebrate species. In addition, the in silico prediction for this alteration is inconclusive. Based on the available evidence, the clinical significance of this variant remains unclear.

NM_032578.4(MYPN):c.3581G>A (p.Arg1194His)

Gene: MYPN (myopalladin; plus strand). Cytogenetic location: 10q21.3.
Variant type: single nucleotide variant.
Coding change: c.3581G>A on transcript NM_032578.4 (MANE Select); coding-DNA position 3581, G replaced by A.
Protein change: p.Arg1194His; replaces arginine 1194 with histidine.
Molecular consequence: missense variant. On other transcripts: non-coding transcript variant (2).
Genome position (GRCh38, 1-based): chr10:68,201,916, G>A. VCF-style: chr10-68201916-G-A. GRCh37 (hg19) VCF-style: chr10-69961673-G-A.
Other names: c.3581G>A, p.Arg1194His (NM_001256267.2); c.2699G>A, p.Arg900His (NM_001256268.2); short protein forms R1194H, R900H.
Identifiers: ClinVar variation 1732903 (VCV001732903.4), dbSNP rs1252035616, ClinGen allele CA376860114.